The following is an entry in ClinVar:

ClinVar aggregate classification (germline): Uncertain significance. Review status: criteria provided, multiple submitters, no conflicts (2 of 4 stars). 3 submissions from 3 submitters: Uncertain significance (3). Last evaluated 2023-12-08.

Conditions:
Heterotopia, periventricular, X-linked dominant (PVNH1). Also called: PERIVENTRICULAR NODULAR HETEROTOPIA 1; X-linked periventricular heterotopia; PERIVENTRICULAR NODULAR HETEROTOPIA 4; HETEROTOPIA, PERIVENTRICULAR, 1. Identifiers: Orphanet 2149, Orphanet 82004, MedGen C1848213, MONDO:0010233, OMIM 300049.
Intestinal pseudoobstruction, neuronal, chronic idiopathic, X-linked (CIIPX). Also called: INTESTINAL PSEUDOOBSTRUCTION, NEURONAL, CHRONIC IDIOPATHIC, WITH CENTRAL NERVOUS SYSTEM INVOLVEMENT; CONGENITAL IDIOPATHIC INTESTINAL PSEUDOOBSTRUCTION; FLNA-Related Periventricular Nodular Heterotopia (FLNA-Related PVNH; Huttenlocher Syndrome). Identifiers: Orphanet 2301, MedGen C2746068, MONDO:0010232, OMIM 300048.
Oto-palato-digital syndrome, type I (OPD1). Also called: OPD I SYNDROME; OPD SYNDROME 1; Otopalatodigital Syndrome Type 1 (FLNA-OPD1); Taybi syndrome; Otopalatodigital Syndrome, Type I. Identifiers: Orphanet 669, Orphanet 90650, MedGen C0265251, MONDO:0010704, OMIM 311300.
Oto-palato-digital syndrome, type II (OPD2). Also called: FACIOPALATOOSSEOUS SYNDROME; OPD II SYNDROME; Otopalatodigital Syndrome Type 2 (FLNA-OPD2); Otopalatodigital Syndrome, Type II. Identifiers: Orphanet 669, Orphanet 90652, MedGen C1844696, MONDO:0010571, OMIM 304120.
Frontometaphyseal dysplasia 1 (FMD1). Also called: Frontometaphyseal Dysplasia (FLNA-FMD). Identifiers: Orphanet 1826, MedGen C4281559, MONDO:0024550, OMIM 305620.
Cardiac valvular dysplasia, X-linked (CVDPX). Also called: MYXOMATOUS VALVULAR DYSTROPHY, X-LINKED; VALVULAR HEART DISEASE, CONGENITAL; FLNA-Related X-linked Cardiac Valvular Dysplasia; Isolated X-Linked Cardiac Valvular Dysplasia; Congenital valvular dysplasia. Identifiers: Orphanet 1864, Orphanet 555877, Orphanet 75497, MedGen C0262436, MONDO:0010753, OMIM 314400.
Terminal osseous dysplasia-pigmentary defects syndrome. Also called: ODPF SYNDROME; OSSEOUS DYSPLASIA, DIGITAL, WITH FACIAL PIGMENTARY DEFECTS AND MULTIPLE FRENULA; ODPD; TERMINAL OSSEOUS DYSPLASIA AND PIGMENTARY DEFECTS; Terminal Osseous Dysplasia (FLNA-TOD). Identifiers: Orphanet 88630, MedGen C1846129, MONDO:0010279, OMIM 300244.
FG syndrome 2 (FGS2). Identifiers: MedGen C1845902, MONDO:0010297, OMIM 300321.
Melnick-Needles syndrome (MNS). Also called: MELNICK-NEEDLES OSTEODYSPLASTY; OSTEODYSPLASTY OF MELNICK AND NEEDLES; Melnick-Needles Syndrome (FLNA-MNS). Identifiers: Orphanet 2484, MedGen C0025237, MONDO:0010650, OMIM 309350.

Submissions (3):

GeneDx
Classification: Uncertain significance. Last evaluated: 2023-12-08. Review status: criteria provided, single submitter. Criteria: GeneDx Variant Classification Process June 2021. Collection method: clinical testing. Allele origin: germline. Affected: yes.
Comment: Not observed at significant frequency in large population cohorts (gnomAD); In silico analysis supports that this missense variant has a deleterious effect on protein structure/function; Has not been previously published as pathogenic or benign to our knowledge

Fulgent Genetics
Classification: Uncertain significance for Intestinal pseudoobstruction, neuronal, chronic idiopathic, X-linked; Heterotopia, periventricular, X-linked dominant; Terminal osseous dysplasia-pigmentary defects syndrome; FG syndrome 2; Oto-palato-digital syndrome, type II; Frontometaphyseal dysplasia 1; Melnick-Needles syndrome; Oto-palato-digital syndrome, type I; Cardiac valvular dysplasia, X-linked. Last evaluated: 2021-11-12. Review status: criteria provided, single submitter. Criteria: ACMG Guidelines, 2015. Collection method: clinical testing. Allele origin: unknown.

Labcorp Genetics (formerly Invitae), Labcorp
Classification: Uncertain significance for Oto-palato-digital syndrome, type II; Heterotopia, periventricular, X-linked dominant; Frontometaphyseal dysplasia; Melnick-Needles syndrome. Last evaluated: 2017-08-01. Review status: criteria provided, single submitter. Criteria: Invitae Variant Classification Sherloc (09022015). Collection method: clinical testing. Allele origin: germline.
Comment: This sequence change replaces asparagine with isoleucine at codon 931 of the FLNA protein (p.Asn931Ile). The asparagine residue is highly conserved and there is a large physicochemical difference between asparagine and isoleucine. This variant is not present in population databases (ExAC no frequency). This variant has not been reported in the literature in individuals with FLNA-related disease. Algorithms developed to predict the effect of missense changes on protein structure and function do not agree on the potential impact of this missense change (SIFT: "Deleterious"; PolyPhen-2: "Benign"; Align-GVGD: "Class C65"). In summary, the available evidence is currently insufficient to determine the role of this variant in disease. Therefore, it has been classified as a Variant of Uncertain Significance.

NM_001110556.2(FLNA):c.2792A>T (p.Asn931Ile)

Gene: FLNA (filamin A; minus strand). Cytogenetic location: Xq28.
Variant type: single nucleotide variant.
Coding change: c.2792A>T on transcript NM_001110556.2 (MANE Select); coding-DNA position 2792, A replaced by T.
Protein change: p.Asn931Ile; replaces asparagine 931 with isoleucine.
Molecular consequence: missense variant.
Genome position (GRCh38, 1-based): chrX:154,362,013, T>A on the plus strand (A>T on the coding strand, the complement: FLNA is on the minus strand). VCF-style: chrX-154362013-T-A. GRCh37 (hg19) VCF-style: chrX-153590381-T-A.
Other names: c.2792A>T, p.Asn931Ile (NM_001456.4); short protein forms N931I.
Identifiers: ClinVar variation 464980 (VCV000464980.3), dbSNP rs1557178134, ClinGen allele CA415232473.